The following is an entry in ClinVar:

ClinVar aggregate classification (germline): Likely benign (1 of 4 stars; one submission).

Conditions:
PLXNA4-related disorder. Also called: PLXNA4-related condition.

gnomAD v4.1: 9 of 1,613,406 alleles (0.00056%); highest among the groups gnomAD compares: East Asian, 0.0022%; no homozygotes.

Submission:

PreventionGenetics, part of Exact Sciences
Classification: Likely benign for PLXNA4-related condition. Last evaluated: 2026-09-05. Review status: criteria provided, single submitter. Criteria: ACMG Guidelines, 2015. Collection method: clinical testing. Allele origin: germline.
Comment: This variant is classified as likely benign based on ACMG/AMP sequence variant interpretation guidelines (Richards et al. 2015 PMID: 25741868, with internal and published modifications).

NM_020911.2(PLXNA4):c.3495C>A (p.Gly1165=)

Gene: PLXNA4 (plexin A4; minus strand). Cytogenetic location: 7q32.3.
Variant type: single nucleotide variant.
Coding change: c.3495C>A on transcript NM_020911.2 (MANE Select); coding-DNA position 3495, C replaced by A.
Protein change: p.Gly1165=; no amino-acid change (glycine 1165 retained).
Molecular consequence: synonymous variant.
Genome position (GRCh38, 1-based): chr7:132,180,730, G>T on the plus strand (C>A on the coding strand, the complement: PLXNA4 is on the minus strand). VCF-style: chr7-132180730-G-T. GRCh37 (hg19) VCF-style: chr7-131865489-G-T.
Other names: c.3495C>A, p.Gly1165= (NM_001393897.1).
Identifiers: ClinVar variation 4978567 (VCV004978567.1).